The following is an entry in ClinVar:

ClinVar aggregate classification (germline): Uncertain significance. Review status: criteria provided, multiple submitters, no conflicts (2 of 4 stars). 5 submissions from 5 submitters: Uncertain significance (4). 1 of the submissions does not count toward it. Last evaluated 2025-08-21.

Conditions:
COACH syndrome 3. Identifiers: MedGen C5436841, MONDO:0030862, OMIM 619113.
Meckel syndrome, type 5 (MKS5). Identifiers: Orphanet 564, MedGen C1969052, MONDO:0012695, OMIM 611561.
Joubert syndrome 7 (JBTS7). Identifiers: Orphanet 220497, MedGen C1969053, MONDO:0012694, OMIM 611560.
RPGRIP1L-related disorder. Also called: RPGRIP1L-related disorders; RPGRIP1L-related condition. Identifiers: MedGen CN239416.
Joubert syndrome. Also called: Familial aplasia of the vermis; JOUBERT-BOLTSHAUSER SYNDROME. Identifiers: Orphanet 475, MedGen C5979921, MONDO:0018772.
Meckel-Gruber syndrome. Also called: DYSENCEPHALIA SPLANCHNOCYSTICA; GRUBER SYNDROME; Dysencephalia splachnocystica. Identifiers: Orphanet 564, MedGen C0265215, MONDO:0018921.
Inborn genetic diseases. Identifiers: MedGen C0950123, MeSH D030342.

Allele frequency attached by ClinVar (database versions not stated): gnomAD exomes below 0.00001 and 0.00002; gnomAD 0.00002; TOPMed 0.00002.
gnomAD v4.1: 31 of 1,609,578 alleles (0.0019%); highest among the groups gnomAD compares: African/African-American, 0.0027%; no homozygotes.

Submissions (5):

Ambry Genetics
Classification: Uncertain significance for Inborn genetic diseases. Last evaluated: 2025-08-21. Review status: criteria provided, single submitter. Criteria: Ambry Variant Classification Scheme 2023. Collection method: clinical testing. Allele origin: germline.

PreventionGenetics, part of Exact Sciences
Classification: Uncertain significance for RPGRIP1L-related condition. Last evaluated: 2024-12-24. Review status: criteria provided, single submitter. Criteria: ACMG Guidelines, 2015. Collection method: clinical testing. Allele origin: germline.
Comment: The RPGRIP1L c.3206A>G variant is predicted to result in the amino acid substitution p.Asp1069Gly. To our knowledge, this variant has not been reported in the literature. This variant is reported in 0.0023% of alleles in individuals of European (Non-Finnish) descent in gnomAD. At this time, the clinical significance of this variant is uncertain due to the absence of conclusive functional and genetic evidence.

Labcorp Genetics (formerly Invitae), Labcorp
Classification: Uncertain significance for Joubert syndrome; Meckel-Gruber syndrome. Last evaluated: 2024-10-24. Review status: criteria provided, single submitter. Criteria: Invitae Variant Classification Sherloc (09022015). Collection method: clinical testing. Allele origin: germline.
Comment: This sequence change replaces aspartic acid, which is acidic and polar, with glycine, which is neutral and non-polar, at codon 1069 of the RPGRIP1L protein (p.Asp1069Gly). The frequency data for this variant in the population databases is considered unreliable, as metrics indicate poor data quality at this position in the gnomAD database. This variant has not been reported in the literature in individuals affected with RPGRIP1L-related conditions. ClinVar contains an entry for this variant (Variation ID: 1008535). Invitae Evidence Modeling of protein sequence and biophysical properties (such as structural, functional, and spatial information, amino acid conservation, physicochemical variation, residue mobility, and thermodynamic stability) indicates that this missense variant is not expected to disrupt RPGRIP1L protein function with a negative predictive value of 80%. In summary, the available evidence is currently insufficient to determine the role of this variant in disease. Therefore, it has been classified as a Variant of Uncertain Significance.

Fulgent Genetics
Classification: Uncertain significance for Joubert syndrome 7; Meckel syndrome, type 5; COACH syndrome 3. Last evaluated: 2024-05-17. Review status: criteria provided, single submitter. Criteria: ACMG Guidelines, 2015. Collection method: clinical testing. Allele origin: germline.

Natera, Inc.
Classification: Uncertain significance for Joubert syndrome. Last evaluated: 2020-11-02. Review status: no assertion criteria provided. Collection method: clinical testing. Allele origin: germline. Not counted in ClinVar's aggregate classification.

NM_015272.5(RPGRIP1L):c.3206A>G (p.Asp1069Gly)

Gene: RPGRIP1L (RPGRIP1 like; minus strand). Cytogenetic location: 16q12.2.
Variant type: single nucleotide variant.
Coding change: c.3206A>G on transcript NM_015272.5 (MANE Select); coding-DNA position 3206, A replaced by G.
Protein change: p.Asp1069Gly; replaces aspartic acid 1069 with glycine.
Molecular consequence: missense variant.
Genome position (GRCh38, 1-based): chr16:53,637,709, T>C on the plus strand (A>G on the coding strand, the complement: RPGRIP1L is on the minus strand). VCF-style: chr16-53637709-T-C. GRCh37 (hg19) VCF-style: chr16-53671621-T-C.
Other names: c.3104A>G, p.Asp1035Gly (NM_001127897.4, NM_001330538.2); c.3206A>G, p.Asp1069Gly (NM_001308334.3); c.3206A>G (NM_015272.2, NM_015272.4); short protein forms D1035G, D1069G.
Identifiers: ClinVar variation 1008535 (VCV001008535.9), dbSNP rs200726671, ClinGen allele CA281369149.